The following is an entry in ClinVar:

ClinVar aggregate classification (germline): Uncertain significance. Review status: criteria provided, multiple submitters, no conflicts (2 of 4 stars). 2 submissions from 2 submitters: Uncertain significance (2). Last evaluated 2023-11-20.

Conditions:
Marfan syndrome (MFS). Also called: MARFAN SYNDROME, TYPE I; Marfan syndrome type 1; Marfan's syndrome; Marfan syndrome, classic; FBN1-Related Marfan Syndrome. Identifiers: Orphanet 284963, Orphanet 558, MedGen C0024796, MONDO:0007947, OMIM 154700.
Familial thoracic aortic aneurysm and aortic dissection (TAAD). Also called: Thoracic aortic aneurysms and dissections. Identifiers: Orphanet 91387, MedGen C4707243, MONDO:0019625.

Allele frequency attached by ClinVar (database versions not stated): gnomAD exomes below 0.00001.

Submissions (2):

GeneDx
Classification: Uncertain significance. Last evaluated: 2023-11-20. Review status: criteria provided, single submitter. Criteria: GeneDx Variant Classification Process June 2021. Collection method: clinical testing. Allele origin: germline. Affected: yes.
Comment: Has not been previously published as pathogenic or benign to our knowledge; Not observed at significant frequency in large population cohorts (gnomAD); In silico analysis supports that this missense variant does not alter protein structure/function; Although located in a calcium-binding EGF-like domain of the FBN1 gene, it does not affect a cysteine residue within this domain; cysteine substitutions in the calcium-binding EGF-like domains represent the majority of pathogenic missense changes associated with FBN1-related disorders (PMID: 12938084); This variant is associated with the following publications: (PMID: 12938084)

Labcorp Genetics (formerly Invitae), Labcorp
Classification: Uncertain significance for Marfan syndrome; Familial thoracic aortic aneurysm and aortic dissection. Last evaluated: 2023-05-29. Review status: criteria provided, single submitter. Criteria: Invitae Variant Classification Sherloc (09022015). Collection method: clinical testing. Allele origin: germline.
Comment: This variant has not been reported in the literature in individuals affected with FBN1-related conditions. This variant is not present in population databases (gnomAD no frequency). This sequence change replaces methionine, which is neutral and non-polar, with isoleucine, which is neutral and non-polar, at codon 1107 of the FBN1 protein (p.Met1107Ile). Advanced modeling of protein sequence and biophysical properties (such as structural, functional, and spatial information, amino acid conservation, physicochemical variation, residue mobility, and thermodynamic stability) has been performed at Invitae for this missense variant, however the output from this modeling did not meet the statistical confidence thresholds required to predict the impact of this variant on FBN1 protein function. In summary, the available evidence is currently insufficient to determine the role of this variant in disease. Therefore, it has been classified as a Variant of Uncertain Significance.

NM_000138.5(FBN1):c.3321G>A (p.Met1107Ile)

Gene: FBN1 (fibrillin 1; minus strand). Cytogenetic location: 15q21.1.
Variant type: single nucleotide variant.
Coding change: c.3321G>A on transcript NM_000138.5 (MANE Select); coding-DNA position 3321, G replaced by A.
Protein change: p.Met1107Ile; replaces methionine 1107 with isoleucine.
Molecular consequence: missense variant.
Genome position (GRCh38, 1-based): chr15:48,488,129, C>T on the plus strand (G>A on the coding strand, the complement: FBN1 is on the minus strand). VCF-style: chr15-48488129-C-T. GRCh37 (hg19) VCF-style: chr15-48780326-C-T.
Other names: c.3321G>A, p.Met1107Ile (NM_001406716.1); short protein forms M1107I.
Identifiers: ClinVar variation 2926788 (VCV002926788.4), dbSNP rs2043524516, ClinGen allele CA392327039.